The following is an entry in ClinVar:

ClinVar aggregate classification (germline): Benign/Likely benign. Review status: criteria provided, multiple submitters, no conflicts (2 of 4 stars). 4 submissions from 4 submitters: Benign (1); Likely benign (3). Last evaluated 2018-06-16.

Conditions:
Noonan syndrome and Noonan-related syndrome. Identifiers: Orphanet 98733, MedGen C5681679, MONDO:0020297.
Legius syndrome. Identifiers: Orphanet 137605, MedGen C1969623, MONDO:0012669, OMIM 611431. Disease mechanism: loss of function.

Allele frequency attached by ClinVar (database versions not stated): 1000 Genomes Project 30x 0.00531; 1000 Genomes Project 0.00539; TOPMed 0.00941; gnomAD 0.01115 and 0.01162; gnomAD exomes 0.01261.

Submissions (4):

GeneDx
Classification: Likely benign. Last evaluated: 2018-06-16. Review status: criteria provided, single submitter. Criteria: GeneDx Variant Classification Process June 2021. Collection method: clinical testing. Allele origin: germline. Affected: yes.

Illumina Laboratory Services, Illumina
Classification: Benign for Legius syndrome. Last evaluated: 2018-01-13. Review status: criteria provided, single submitter. Criteria: ICSL Variant Classification Criteria 13 December 2019. Collection method: clinical testing. Allele origin: germline.
Comment: This variant was observed in the ICSL laboratory as part of a predisposition screen in an ostensibly healthy population. It had not been previously curated by ICSL or reported in the Human Gene Mutation Database (HGMD: prior to June 1st, 2018), and was therefore a candidate for classification through an automated scoring system. Utilizing variant allele frequency, disease prevalence and penetrance estimates, and inheritance mode, an automated score was calculated to assess if this variant is too frequent to cause the disease. Based on the score and internal cut-off values, a variant classified as benign is not then subjected to further curation. The score for this variant resulted in a classification of benign for this disease.

Genome Diagnostics Laboratory, The Hospital for Sick Children
Classification: Likely benign for Noonan syndrome and Noonan-related syndrome. Last evaluated: 2017-01-23. Review status: criteria provided, single submitter. Criteria: ACMG Guidelines, 2015. Collection method: clinical testing. Allele origin: germline.

Breakthrough Genomics
Classification: Likely benign. Review status: criteria provided, single submitter. Criteria: ACMG Guidelines, 2015. Collection method: not provided. Allele origin: germline. Inheritance: Autosomal dominant inheritance. Affected: yes.

NM_152594.3(SPRED1):c.*256C>T

Gene: SPRED1 (sprouty related EVH1 domain containing 1; plus strand). Cytogenetic location: 15q14.
Variant type: single nucleotide variant.
Coding change: c.*256C>T on transcript NM_152594.3 (MANE Select); 256 bases downstream of the stop codon, C replaced by T.
Molecular consequence: 3 prime UTR variant.
Genome position (GRCh38, 1-based): chr15:38,351,920, C>T. VCF-style: chr15-38351920-C-T. GRCh37 (hg19) VCF-style: chr15-38644121-C-T.
Identifiers: ClinVar variation 315741 (VCV000315741.12), dbSNP rs145373657, ClinGen allele CA10645793.
Genomic context (GRCh38, chr15:38,351,920, plus strand): 5'-TTACAGGTTGTAGAGTATTTGCAGAAGGAAACCATTTCTGGTTATTTGGCTATAAAAAGT[C>T]AGCATAAAATATGATCCAACTAAAAGGGATTAATTTTTGGCATTTTTGTATATTTATGCA-3'